The following is an entry in ClinVar:

ClinVar aggregate classification (germline): Uncertain significance. Review status: criteria provided, multiple submitters, no conflicts (2 of 4 stars). 2 submissions from 2 submitters: Uncertain significance (2). Last evaluated 2020-12-03.

Conditions:
POLD1-related polyposis and colorectal cancer syndrome (CRCS10). Also called: Colorectal cancer 10; COLORECTAL CANCER, SUSCEPTIBILITY TO, ON CHROMOSOME 19q; Colorectal cancer, susceptibility to, 10. Identifiers: Orphanet 220460, MedGen C2675481, MONDO:0012953, OMIM 612591.

Submissions (2):

Labcorp Genetics (formerly Invitae), Labcorp
Classification: Uncertain significance for POLD1-related polyposis and colorectal cancer syndrome. Last evaluated: 2020-12-03. Review status: criteria provided, single submitter. Criteria: Invitae Variant Classification Sherloc (09022015). Collection method: clinical testing. Allele origin: germline.
Comment: This variant has not been reported in the literature in individuals with POLD1-related conditions. This variant is not present in population databases (ExAC no frequency). This sequence change replaces proline with serine at codon 82 of the POLD1 protein (p.Pro82Ser). The proline residue is moderately conserved and there is a moderate physicochemical difference between proline and serine. In summary, the available evidence is currently insufficient to determine the role of this variant in disease. Therefore, it has been classified as a Variant of Uncertain Significance. Algorithms developed to predict the effect of missense changes on protein structure and function are either unavailable or do not agree on the potential impact of this missense change (SIFT: "Deleterious"; PolyPhen-2: "Probably Damaging"; Align-GVGD: "Class C0").

GeneDx
Classification: Uncertain significance. Last evaluated: 2020-08-14. Review status: criteria provided, single submitter. Criteria: GeneDx Variant Classification Process June 2021. Collection method: clinical testing. Allele origin: germline. Affected: yes.
Comment: Not observed in large population cohorts (Lek 2016); In silico analysis supports that this missense variant has a deleterious effect on protein structure/function; Has not been previously published as pathogenic or benign to our knowledge

NM_002691.4(POLD1):c.244C>T (p.Pro82Ser)

Gene: POLD1 (DNA polymerase delta 1, catalytic subunit; plus strand). Cytogenetic location: 19q13.33.
Variant type: single nucleotide variant.
Coding change: c.244C>T on transcript NM_002691.4 (MANE Select); coding-DNA position 244, C replaced by T.
Protein change: p.Pro82Ser; replaces proline 82 with serine.
Molecular consequence: missense variant. On other transcripts: non-coding transcript variant (1).
Genome position (GRCh38, 1-based): chr19:50,399,412, C>T. VCF-style: chr19-50399412-C-T. GRCh37 (hg19) VCF-style: chr19-50902669-C-T.
Other names: c.244C>T, p.Pro82Ser (NM_001256849.1, NM_001308632.1); short protein forms P82S.
Identifiers: ClinVar variation 856554 (VCV000856554.11), dbSNP rs1064794543, ClinGen allele CA406970454.